The following is an entry in ClinVar:

ClinVar aggregate classification (germline): Uncertain significance (1 of 4 stars; one submission).

Conditions:
Malignant hyperthermia, susceptibility to, 1 (MHS1). Also called: Anesthesia related hyperthermia; Malignant hyperpyrexia; Fulminating hyperpyrexia; Pharmacogenic myopathy; RYR1-Related Malignant Hyperthermia Susceptibility; Malignant hyperthermia suceptibility 1. Identifiers: Orphanet 423, MedGen C2930980, MONDO:0007783, OMIM 145600.

gnomAD v4.1: 1 of 1,614,224 alleles (0.000062%); highest among the groups gnomAD compares: Non-Finnish European, 0.000085%; no homozygotes.

Submission:

All of Us Research Program, National Institutes of Health
Classification: Uncertain significance for Malignant hyperthermia, susceptibility to, 1. Last evaluated: 2023-12-13. Review status: criteria provided, single submitter. Criteria: ACMG Guidelines, 2015. Collection method: clinical testing. Allele origin: germline. Inheritance: Autosomal dominant inheritance. Observed: 1 variant allele, 1 heterozygote.
Comment: This missense variant replaces isoleucine with methionine at codon 3087 of the RYR1 protein. Computational prediction suggests that this variant may not impact protein structure and function (internally defined REVEL score threshold <= 0.5, PMID: 27666373). To our knowledge, functional studies have not been reported for this variant. This variant has not been reported in individuals affected with RYR1-related disorders in the literature. This variant has not been identified in the general population by the Genome Aggregation Database (gnomAD). The available evidence is insufficient to determine the role of this variant in disease conclusively. Therefore, this variant is classified as a Variant of Uncertain Significance.

This study involves interpretation of variants in research participants for the purpose of population health screening. Participant phenotype was not available at the time of variant classification. Additional details can be found in publication PMID: 35346344, PMCID: PMC8962531

NM_000540.3(RYR1):c.9261C>G (p.Ile3087Met)

Gene: RYR1 (ryanodine receptor 1; plus strand). Cytogenetic location: 19q13.2.
Variant type: single nucleotide variant.
Coding change: c.9261C>G on transcript NM_000540.3 (MANE Select); coding-DNA position 9261, C replaced by G.
Protein change: p.Ile3087Met; replaces isoleucine 3087 with methionine.
Molecular consequence: missense variant.
Genome position (GRCh38, 1-based): chr19:38,512,272, C>G. VCF-style: chr19-38512272-C-G. GRCh37 (hg19) VCF-style: chr19-39002912-C-G.
Other names: c.9261C>G, p.Ile3087Met (NM_001042723.2); short protein forms I3087M.
Identifiers: ClinVar variation 3074872 (VCV003074872.1), dbSNP rs56338790, ClinGen allele CA405686179.